The following is an entry in ClinVar:

NM_019892.6(INPP5E):c.1160-10C>T

Gene: INPP5E (inositol polyphosphate-5-phosphatase E; minus strand). Cytogenetic location: 9q34.3.
Variant type: single nucleotide variant.
Coding change: c.1160-10C>T on transcript NM_019892.6 (MANE Select); 10 bases into the intron before coding-DNA position 1160, C replaced by T.
Molecular consequence: intron variant.
Genome position (GRCh38, 1-based): chr9:136,433,085, G>A on the plus strand (C>T on the coding strand, the complement: INPP5E is on the minus strand). VCF-style: chr9-136433085-G-A. GRCh37 (hg19) VCF-style: chr9-139327537-G-A.
Other names: c.1160-10C>T (NM_019892.5, NM_001318502.2).
Identifiers: ClinVar variation 4700940 (VCV004700940.2).

ClinVar aggregate classification (germline): Likely benign. Review status: criteria provided, multiple submitters, no conflicts (2 of 4 stars). 2 submissions from 2 submitters: Likely benign (2). Last evaluated 2025-03-27.

Conditions:
Joubert syndrome. Also called: JOUBERT-BOLTSHAUSER SYNDROME; Familial aplasia of the vermis. Identifiers: Orphanet 475, MedGen C5979921, MONDO:0018772.
INPP5E-related disorder. Also called: INPP5E-related condition.

Submissions (2):

Labcorp Genetics (formerly Invitae), Labcorp
Classification: Likely benign for Joubert syndrome. Last evaluated: 2025-03-27. Review status: criteria provided, single submitter. Criteria: Invitae Variant Classification Sherloc (09022015). Collection method: clinical testing. Allele origin: germline.

PreventionGenetics, part of Exact Sciences
Classification: Likely benign for INPP5E-related condition. Last evaluated: 2024-10-14. Review status: criteria provided, single submitter. Criteria: ACMG Guidelines, 2015. Collection method: clinical testing. Allele origin: germline.
Comment: This variant is classified as likely benign based on ACMG/AMP sequence variant interpretation guidelines (Richards et al. 2015 PMID: 25741868, with internal and published modifications).